The following is an entry in ClinVar:

ClinVar aggregate classification (germline): Uncertain significance (1 of 4 stars; one submission).

Conditions:
Inborn genetic diseases. Identifiers: MedGen C0950123, MeSH D030342.

Submission:

Ambry Genetics
Classification: Uncertain significance for Inborn genetic diseases. Last evaluated: 2025-08-14. Review status: criteria provided, single submitter. Criteria: Ambry Variant Classification Scheme 2023. Collection method: clinical testing. Allele origin: germline.
Comment: The p.G144S variant (also known as c.430G>A), located in coding exon 5 of the RECQL4 gene, results from a G to A substitution at nucleotide position 430. The glycine at codon 144 is replaced by serine, an amino acid with similar properties. This amino acid position is conserved. In addition, this alteration is predicted to be tolerated by in silico analysis. Based on the available evidence, the clinical significance of this variant remains unclear.

NM_004260.4(RECQL4):c.430G>A (p.Gly144Ser)

Gene: RECQL4 (RecQ like helicase 4; minus strand). Cytogenetic location: 8q24.3.
Variant type: single nucleotide variant.
Coding change: c.430G>A on transcript NM_004260.4 (MANE Select); coding-DNA position 430, G replaced by A.
Protein change: p.Gly144Ser; replaces glycine 144 with serine.
Molecular consequence: missense variant. On other transcripts: 5 prime UTR variant (13), non-coding transcript variant (3), intron variant (5).
Genome position (GRCh38, 1-based): chr8:144,516,689, C>T on the plus strand (G>A on the coding strand, the complement: RECQL4 is on the minus strand). VCF-style: chr8-144516689-C-T. GRCh37 (hg19) VCF-style: chr8-145742073-C-T.
Other names: c.430G>A, p.Gly144Ser (NM_001413017.1, NM_001413018.1, NM_001413019.1 and 4 more transcripts); c.-642G>A (NM_001413022.1, NM_001413023.1, NM_001413037.1 and 3 more transcripts); c.301G>A, p.Gly101Ser (NM_001413025.1); c.-704G>A (NM_001413027.1, NM_001413030.1, NM_001413031.1 and 1 more transcripts); c.-367G>A (NM_001413028.1); c.-546G>A (NM_001413034.1); c.-911G>A (NM_001413043.1); c.355-276G>A (NM_001413029.1); and 3 more; short protein forms G101S, G144S.
Identifiers: ClinVar variation 4152419 (VCV004152419.1).